The following is an entry in ClinVar:

ClinVar aggregate classification (germline): Uncertain significance. Review status: criteria provided, multiple submitters, no conflicts (2 of 4 stars). 2 submissions from 2 submitters: Uncertain significance (2). Last evaluated 2025-12-02.

Conditions:
Inborn genetic diseases. Identifiers: MedGen C0950123, MeSH D030342.
Developmental and epileptic encephalopathy, 25 (DEE25). Also called: Developmental and epileptic encephalopathy 25, with amelogenesis imperfecta; Epileptic encephalopathy, early infantile, 25, with amelogenesis imperfecta; Epileptic encephalopathy, early infantile, 25. Identifiers: Orphanet 442835, MedGen C4014621, MONDO:0014392, OMIM 615905.

Allele frequency attached by ClinVar (database versions not stated): gnomAD exomes 0.00008 and 0.00004; TOPMed 0.00005; ESP Exome Variant Server 0.00008; gnomAD 0.00006; ExAC 0.00008.

Submissions (2):

Ambry Genetics
Classification: Uncertain significance for Inborn genetic diseases. Last evaluated: 2025-12-02. Review status: criteria provided, single submitter. Criteria: Ambry Variant Classification Scheme 2023. Collection method: clinical testing. Allele origin: germline.
Comment: The c.277G>A (p.G93S) alteration is located in exon 3 (coding exon 3) of the SLC13A5 gene. This alteration results from a G to A substitution at nucleotide position 277, causing the glycine (G) at amino acid position 93 to be replaced by a serine (S). Based on data from gnomAD, the A allele has an overall frequency of 0.011% (31/282120) total alleles studied. The highest observed frequency was 0.028% (2/7208) of Other alleles. Based on insufficient or conflicting evidence, the clinical significance of this alteration remains unclear.

Labcorp Genetics (formerly Invitae), Labcorp
Classification: Uncertain significance for Developmental and epileptic encephalopathy, 25. Last evaluated: 2022-08-31. Review status: criteria provided, single submitter. Criteria: Invitae Variant Classification Sherloc (09022015). Collection method: clinical testing. Allele origin: germline.
Comment: This sequence change replaces glycine, which is neutral and non-polar, with serine, which is neutral and polar, at codon 93 of the SLC13A5 protein (p.Gly93Ser). This variant is present in population databases (rs201070023, gnomAD 0.02%). This variant has not been reported in the literature in individuals affected with SLC13A5-related conditions. ClinVar contains an entry for this variant (Variation ID: 662988). Algorithms developed to predict the effect of missense changes on protein structure and function output the following: SIFT: "Tolerated"; PolyPhen-2: "Possibly Damaging"; Align-GVGD: "Class C0". The serine amino acid residue is found in multiple mammalian species, which suggests that this missense change does not adversely affect protein function. Algorithms developed to predict the effect of sequence changes on RNA splicing suggest that this variant may create or strengthen a splice site. In summary, the available evidence is currently insufficient to determine the role of this variant in disease. Therefore, it has been classified as a Variant of Uncertain Significance.

NM_177550.5(SLC13A5):c.277G>A (p.Gly93Ser)

Gene: SLC13A5 (solute carrier family 13 member 5; minus strand). Cytogenetic location: 17p13.1.
Variant type: single nucleotide variant.
Coding change: c.277G>A on transcript NM_177550.5 (MANE Select); coding-DNA position 277, G replaced by A.
Protein change: p.Gly93Ser; replaces glycine 93 with serine.
Molecular consequence: missense variant.
Genome position (GRCh38, 1-based): chr17:6,706,733, C>T on the plus strand (G>A on the coding strand, the complement: SLC13A5 is on the minus strand). VCF-style: chr17-6706733-C-T. GRCh37 (hg19) VCF-style: chr17-6610052-C-T.
Other names: c.277G>A, p.Gly93Ser (NM_001143838.3, NM_001284509.2); c.148G>A, p.Gly50Ser (NM_001284510.2); c.277G>A (NM_177550.3); short protein forms G93S, G50S.
Identifiers: ClinVar variation 662988 (VCV000662988.7), dbSNP rs201070023, ClinGen allele CA8331790.